The following is an entry in ClinVar:

NM_001005242.3(PKP2):c.473G>A (p.Arg158Lys)

Gene: PKP2 (plakophilin 2; minus strand). Cytogenetic location: 12p11.21.
Variant type: single nucleotide variant.
Coding change: c.473G>A on transcript NM_001005242.3 (MANE Select); coding-DNA position 473, G replaced by A.
Protein change: p.Arg158Lys; replaces arginine 158 with lysine.
Molecular consequence: missense variant.
Genome position (GRCh38, 1-based): chr12:32,878,407, C>T on the plus strand (G>A on the coding strand, the complement: PKP2 is on the minus strand). VCF-style: chr12-32878407-C-T. GRCh37 (hg19) VCF-style: chr12-33031341-C-T.
Other names: c.473G>A, p.Arg158Lys (NM_004572.4); short protein forms R158K.
Identifiers: ClinVar variation 45080 (VCV000045080.24), dbSNP rs397517027, ClinGen allele CA012348.

ClinVar aggregate classification (germline): Conflicting classifications of pathogenicity. Review status: criteria provided, conflicting classifications (1 of 4 stars). 6 submissions from 6 submitters: Uncertain significance (1); Likely benign (5). Last evaluated 2026-01-21.

Conditions:
PKP2-related disorder. Also called: PKP2-related condition.
Cardiovascular phenotype. Identifiers: MedGen CN230736.
Cardiomyopathy (CMYO). Also called: Cardiomyopathies. Identifiers: Orphanet 167848, MedGen C0878544, MONDO:0004994, HP:0001638. Inheritance: Various modes of inheritance.
Arrhythmogenic right ventricular dysplasia 9 (ARVD9). Also called: Arrhythmogenic Right Ventricular Dysplasia/Cardiomyopathy 9; ARRHYTHMOGENIC RIGHT VENTRICULAR DYSPLASIA, FAMILIAL, 9. Identifiers: MedGen C1836906, MONDO:0012180, OMIM 609040.

Allele frequency attached by ClinVar (database versions not stated): gnomAD 0.00003 and 0.00001; gnomAD exomes 0.00006 and 0.00007; ExAC 0.00007; TOPMed 0.00002.
gnomAD v4.1: 105 of 1,614,042 alleles (0.0065%); highest among the groups gnomAD compares: East Asian, 0.23%; 1 homozygote.

Submissions (6):

PreventionGenetics, part of Exact Sciences
Classification: Likely benign for PKP2-related condition. Last evaluated: 2026-01-21. Review status: criteria provided, single submitter. Criteria: ACMG Guidelines, 2015. Collection method: clinical testing. Allele origin: germline.
Comment: This variant is classified as likely benign based on ACMG/AMP sequence variant interpretation guidelines (Richards et al. 2015 PMID: 25741868, with internal and published modifications).

Labcorp Genetics (formerly Invitae), Labcorp
Classification: Likely benign for Arrhythmogenic right ventricular dysplasia 9. Last evaluated: 2025-06-18. Review status: criteria provided, single submitter. Criteria: Invitae Variant Classification Sherloc (09022015). Collection method: clinical testing. Allele origin: germline.

Ambry Genetics
Classification: Likely benign for Cardiovascular phenotype. Last evaluated: 2024-09-09. Review status: criteria provided, single submitter. Criteria: Ambry Variant Classification Scheme 2023. Collection method: clinical testing. Allele origin: germline.

Women's Health and Genetics/Laboratory Corporation of America, LabCorp
Classification: Likely benign. Last evaluated: 2022-07-05. Review status: criteria provided, single submitter. Criteria: LabCorp Variant Classification Summary - May 2015. Collection method: clinical testing. Allele origin: germline.
Comment: Variant summary: PKP2 c.473G>A (p.Arg158Lys) results in a conservative amino acid change in the encoded protein sequence. Five of five in-silico tools predict a benign effect of the variant on protein function. The variant allele was found at a frequency of 6.4e-05 in 251440 control chromosomes, predominantly at a frequency of 0.00087 within the East Asian subpopulation in the gnomAD database. The observed variant frequency within East Asian control individuals in the gnomAD database is slightly higher than the estimated maximal expected allele frequency for a pathogenic variant in PKP2 causing Arrhythmogenic Right Ventricular Dysplasia/Cardiomyopathy phenotype (0.00065), suggesting that the variant is a benign polymorphism found primarily in populations of East Asian origin. To our knowledge, no experimental evidence demonstrating an impact on protein function has been reported. Three clinical diagnostic laboratories have submitted clinical-significance assessments for this variant to ClinVar after 2014 without evidence for independent evaluation (likely benign n=2, VUS n=1). Based on the evidence outlined above, the variant was classified as likely benign.

Color Diagnostics, LLC DBA Color Health
Classification: Likely benign for Cardiomyopathy. Last evaluated: 2020-09-10. Review status: criteria provided, single submitter. Criteria: ACMG Guidelines, 2015. Collection method: clinical testing. Allele origin: germline.

Laboratory for Molecular Medicine, Mass General Brigham Personalized Medicine
Classification: Uncertain significance. Last evaluated: 2019-02-07. Review status: criteria provided, single submitter. Criteria: LMM Criteria. Collection method: clinical testing. Allele origin: germline. Observed: 1 variant allele.
Comment: Variant classified as Uncertain Significance - Favor Benign. In another study, the variant was absent in 93 ARVD/C probands but was present in 1/854 control chromosomes from a racially diverse but apparently healthy population (Kapplinger 2011). Identified in 0.085% of East Asian chromosomes in gnomAD. The presence of the variant in a single control is not sufficient to assume a benign riole as a presymptomatic status of this individual cannot be excluded. Arginine (Arg) at position 158 is conserved across mammals but not distant species, and computational analyses (PolyPhen2, SIFT, AlignGVGD) do not provide strong evidence for or against pathogenicity. In summary, the clinical significance of this variant cannot be determined with certainty at this time.

Literature cited by the submitters: PubMed 19427443 (cited by Ambry Genetics and Laboratory for Molecular Medicine, Mass General Brigham Personalized Medicine); PubMed 24503780 (cited by Ambry Genetics); PubMed 27532257 (cited by Ambry Genetics); PubMed 28431057 (cited by Ambry Genetics); PubMed 28472724 (cited by Ambry Genetics and Women's Health and Genetics/Laboratory Corporation of America, LabCorp); PubMed 21636032 (cited by Laboratory for Molecular Medicine, Mass General Brigham Personalized Medicine).